The following is an entry in ClinVar:

NM_001083961.2(WDR62):c.4033C>T (p.Arg1345Cys)

Gene: WDR62 (WD repeat domain 62; plus strand). Cytogenetic location: 19q13.12.
Variant type: single nucleotide variant.
Coding change: c.4033C>T on transcript NM_001083961.2 (MANE Select); coding-DNA position 4033, C replaced by T.
Protein change: p.Arg1345Cys; replaces arginine 1345 with cysteine.
Molecular consequence: missense variant.
Genome position (GRCh38, 1-based): chr19:36,103,861, C>T. VCF-style: chr19-36103861-C-T. GRCh37 (hg19) VCF-style: chr19-36594763-C-T.
Other names: c.4018C>T, p.Arg1340Cys (NM_173636.5); short protein forms R1340C, R1345C.
Identifiers: ClinVar variation 718161 (VCV000718161.50), dbSNP rs201363122, ClinGen allele CA9396451.

ClinVar aggregate classification (germline): Conflicting classifications of pathogenicity. Review status: criteria provided, conflicting classifications (1 of 4 stars). 4 submissions from 4 submitters: Uncertain significance (1); Benign (1); Likely benign (2). Last evaluated 2026-08-05.

Conditions:
Microcephaly 2, primary, autosomal recessive, with or without cortical malformations. Also called: MICROCEPHALY 2, PRIMARY, AUTOSOMAL RECESSIVE, WITH CORTICAL MALFORMATIONS; WDR62 Primary Microcephaly. Identifiers: Orphanet 2512, MedGen C1858535, MONDO:0011435, OMIM 604317.
WDR62-related disorder. Also called: WDR62-related condition.

Allele frequency attached by ClinVar (database versions not stated): gnomAD 0.00001 and 0.00015; TOPMed 0.00005; gnomAD exomes 0.00024 and 0.00057; ExAC 0.00056; 1000 Genomes Project 0.00240; 1000 Genomes Project 30x 0.00250.

Submissions (4):

PreventionGenetics, part of Exact Sciences
Classification: Likely benign for WDR62-related condition. Last evaluated: 2026-08-05. Review status: criteria provided, single submitter. Criteria: ACMG Guidelines, 2015. Collection method: clinical testing. Allele origin: germline.
Comment: This variant is classified as likely benign based on ACMG/AMP sequence variant interpretation guidelines (Richards et al. 2015 PMID: 25741868, with internal and published modifications).

CeGaT Center for Human Genetics Tuebingen
Classification: Uncertain significance. Last evaluated: 2018-02-01. Review status: criteria provided, single submitter. Criteria: CeGaT Center For Human Genetics Tuebingen Variant Classification Criteria Version 2. Collection method: clinical testing. Allele origin: germline. Affected: yes. Observed: 1 variant allele.

Illumina Laboratory Services, Illumina
Classification: Likely benign for Microcephaly 2, primary, autosomal recessive, with or without cortical malformations. Last evaluated: 2018-01-12. Review status: criteria provided, single submitter. Criteria: ICSL Variant Classification Criteria 13 December 2019. Collection method: clinical testing. Allele origin: germline.
Comment: This variant was observed in the ICSL laboratory as part of a predisposition screen in an ostensibly healthy population. It had not been previously curated by ICSL or reported in the Human Gene Mutation Database (HGMD: prior to June 1st, 2018), and was therefore a candidate for classification through an automated scoring system. Utilizing variant allele frequency, disease prevalence and penetrance estimates, and inheritance mode, an automated score was calculated to assess if this variant is too frequent to cause the disease. Based on the score and internal cut-off values, a variant classified as likely benign is not then subjected to further curation. The score for this variant resulted in a classification of likely benign for this disease.

Labcorp Genetics (formerly Invitae), Labcorp
Classification: Benign. Last evaluated: 2017-08-08. Review status: criteria provided, single submitter. Criteria: Invitae Variant Classification Sherloc (09022015). Collection method: clinical testing. Allele origin: germline.